The following is an entry in ClinVar:

ClinVar aggregate classification (germline): Benign/Likely benign. Review status: criteria provided, multiple submitters, no conflicts (2 of 4 stars). 3 submissions from 3 submitters: Benign (1); Likely benign (1). 1 of the submissions does not count toward it. Last evaluated 2026-01-21.

Conditions:
Vici syndrome (VICIS). Identifiers: Orphanet 1493, MedGen C1855772, MONDO:0009452, OMIM 242840.
EPG5-related disorder. Also called: EPG5-related condition. Identifiers: MedGen CN381528.

Allele frequency attached by ClinVar (database versions not stated): gnomAD 0.00001 and 0.00017; TOPMed 0.00002; gnomAD exomes 0.00023 and 0.00043; ExAC 0.00050; 1000 Genomes Project 30x 0.00141; 1000 Genomes Project 0.00180.
gnomAD v4.1: 361 of 1,614,164 alleles (0.022%); highest among the groups gnomAD compares: South Asian, 0.37%; 7 homozygotes.

Submissions (3):

Labcorp Genetics (formerly Invitae), Labcorp
Classification: Benign for Vici syndrome. Last evaluated: 2026-01-21. Review status: criteria provided, single submitter. Criteria: Invitae Variant Classification Sherloc (09022015). Collection method: clinical testing. Allele origin: germline.

Blueprint Genetics
Classification: Likely benign. Last evaluated: 2024-09-24. Review status: criteria provided, single submitter. Criteria: ACMG Guidelines, 2015. Collection method: clinical testing. Allele origin: germline.

PreventionGenetics, part of Exact Sciences
Classification: Likely benign for EPG5-related condition. Last evaluated: 2022-09-23. Review status: no assertion criteria provided. Collection method: clinical testing. Allele origin: germline. Not counted in ClinVar's aggregate classification.
Comment: This variant is classified as likely benign based on ACMG/AMP sequence variant interpretation guidelines (Richards et al. 2015 PMID: 25741868, with internal and published modifications).

NM_020964.3(EPG5):c.4584G>C (p.Leu1528Phe)

Gene: EPG5 (ectopic P-granules 5 autophagy tethering factor; minus strand). Cytogenetic location: 18q21.1.
Variant type: single nucleotide variant.
Coding change: c.4584G>C on transcript NM_020964.3 (MANE Select); coding-DNA position 4584, G replaced by C.
Protein change: p.Leu1528Phe; replaces leucine 1528 with phenylalanine.
Molecular consequence: missense variant.
Genome position (GRCh38, 1-based): chr18:45,901,058, C>G on the plus strand (G>C on the coding strand, the complement: EPG5 is on the minus strand). VCF-style: chr18-45901058-C-G. GRCh37 (hg19) VCF-style: chr18-43481023-C-G.
Other names: short protein forms L1528F.
Identifiers: ClinVar variation 788134 (VCV000788134.15), dbSNP rs199978382, ClinGen allele CA8948813.